The following is an entry in ClinVar:

NM_002317.7(LOX):c.841del (p.Arg281fs)

Genes: LOX (lysyl oxidase; minus strand), SRFBP1 (serum response factor binding protein 1; plus strand). Cytogenetic location: 5q23.1.
Variant type: Deletion.
Coding change: c.841del on transcript NM_002317.7 (MANE Select); coding-DNA position 841, one base deleted (C; older notation c.841delC).
Protein change: p.Arg281fs; shifts the reading frame from arginine 281.
Molecular consequence: frameshift variant. On other transcripts: 5 prime UTR variant (1).
Genome position (GRCh38, 1-based): chr5:122,075,441, G deleted on the plus strand (C on the coding strand, the reverse complement: LOX is on the minus strand); the first of 2 consecutive G bases (chr5:122,075,441-122,075,442); deleting either gives the same sequence. VCF-style (leftmost placement, unchanged base first): chr5-122075440-CG-C. GRCh37 (hg19) VCF-style: chr5-121411135-CG-C.
Other names: c.151del, p.Arg51fs (NM_001178102.2); c.-51del (NM_001317073.1); short protein forms R51fs, R281fs.
Identifiers: ClinVar variation 1763315 (VCV001763315.5), dbSNP rs2532911338, ClinGen allele CA2580072428.

ClinVar aggregate classification (germline): Pathogenic. Review status: criteria provided, multiple submitters, no conflicts (2 of 4 stars). 2 submissions from 2 submitters: Pathogenic (2). Last evaluated 2025-02-14.

Conditions:
Cardiovascular phenotype. Identifiers: MedGen CN230736.

Submissions (2):

Ambry Genetics
Classification: Pathogenic for Cardiovascular phenotype. Last evaluated: 2025-02-14. Review status: criteria provided, single submitter. Criteria: Ambry Variant Classification Scheme 2023. Collection method: clinical testing. Allele origin: germline.
Comment: The c.841delC pathogenic mutation, located in coding exon 3 of the LOX gene, results from a deletion of one nucleotide at nucleotide position 841, causing a translational frameshift with a predicted alternate stop codon (p.R281Dfs*67). This variant is considered to be rare based on population cohorts in the Genome Aggregation Database (gnomAD). This alteration is expected to result in loss of function by premature protein truncation or nonsense-mediated mRNA decay. As such, this alteration is interpreted as a disease-causing mutation.

Labcorp Genetics (formerly Invitae), Labcorp
Classification: Pathogenic. Last evaluated: 2024-02-01. Review status: criteria provided, single submitter. Criteria: Invitae Variant Classification Sherloc (09022015). Collection method: clinical testing. Allele origin: germline.
Comment: This sequence change creates a premature translational stop signal (p.Arg281Aspfs*67) in the LOX gene. It is expected to result in an absent or disrupted protein product. Loss-of-function variants in LOX are known to be pathogenic (PMID: 12417550, 26838787, 27432961). This variant is not present in population databases (gnomAD no frequency). This variant has not been reported in the literature in individuals affected with LOX-related conditions. ClinVar contains an entry for this variant (Variation ID: 1763315). For these reasons, this variant has been classified as Pathogenic.

Literature cited by the submitters: PubMed 12417550 (cited by Labcorp Genetics (formerly Invitae), Labcorp); PubMed 26838787 (cited by Labcorp Genetics (formerly Invitae), Labcorp); PubMed 27432961 (cited by Labcorp Genetics (formerly Invitae), Labcorp).